The following is an entry in ClinVar:

NM_005732.4(RAD50):c.3740A>T (p.His1247Leu)

Genes: TH2-LCR (Th2 cytokine locus control region; plus strand), RAD50 (RAD50 double strand break repair protein; plus strand), TH2LCRR (T helper type 2 locus control region associated RNA; minus strand). Cytogenetic location: 5q31.1.
Variant type: single nucleotide variant.
Coding change: c.3740A>T on transcript NM_005732.4 (MANE Select); coding-DNA position 3740, A replaced by T.
Protein change: p.His1247Leu; replaces histidine 1247 with leucine.
Molecular consequence: missense variant.
Genome position (GRCh38, 1-based): chr5:132,640,793, A>T. VCF-style: chr5-132640793-A-T. GRCh37 (hg19) VCF-style: chr5-131976485-A-T.
Other names: short protein forms H1247L.
Identifiers: ClinVar variation 949266 (VCV000949266.13), dbSNP rs1397349878, ClinGen allele CA360934967.

ClinVar aggregate classification (germline): Uncertain significance. Review status: criteria provided, multiple submitters, no conflicts (2 of 4 stars). 2 submissions from 2 submitters: Uncertain significance (2). Last evaluated 2025-05-24.

Conditions:
Hereditary cancer-predisposing syndrome. Also called: Hereditary neoplastic syndrome; Neoplastic Syndromes, Hereditary; Tumor predisposition; Hereditary Cancer Syndrome. Identifiers: Orphanet 140162, MedGen C0027672, MeSH D009386, MONDO:0015356.

gnomAD v4.1: 1 of 1,613,190 alleles (0.000062%); highest among the groups gnomAD compares: Non-Finnish European, 0.000085%; no homozygotes.

Submissions (2):

Ambry Genetics
Classification: Uncertain significance for Hereditary cancer-predisposing syndrome. Last evaluated: 2025-05-24. Review status: criteria provided, single submitter. Criteria: Ambry Variant Classification Scheme 2023. Collection method: clinical testing. Allele origin: germline.
Comment: The p.H1247L variant (also known as c.3740A>T), located in coding exon 24 of the RAD50 gene, results from an A to T substitution at nucleotide position 3740. The histidine at codon 1247 is replaced by leucine, an amino acid with similar properties. This amino acid position is highly conserved in available vertebrate species. In addition, this alteration is predicted to be tolerated by in silico analysis. Since supporting evidence is limited at this time, the clinical significance of this alteration remains unclear.

Labcorp Genetics (formerly Invitae), Labcorp
Classification: Uncertain significance for Hereditary cancer-predisposing syndrome. Last evaluated: 2023-08-30. Review status: criteria provided, single submitter. Criteria: Invitae Variant Classification Sherloc (09022015). Collection method: clinical testing. Allele origin: germline.
Comment: This sequence change replaces histidine, which is basic and polar, with leucine, which is neutral and non-polar, at codon 1247 of the RAD50 protein (p.His1247Leu). This variant is present in population databases (no rsID available, gnomAD 0.0009%). In summary, the available evidence is currently insufficient to determine the role of this variant in disease. Therefore, it has been classified as a Variant of Uncertain Significance. Advanced modeling of protein sequence and biophysical properties (such as structural, functional, and spatial information, amino acid conservation, physicochemical variation, residue mobility, and thermodynamic stability) has been performed at Invitae for this missense variant, however the output from this modeling did not meet the statistical confidence thresholds required to predict the impact of this variant on RAD50 protein function. ClinVar contains an entry for this variant (Variation ID: 949266). This variant has not been reported in the literature in individuals affected with RAD50-related conditions.